The following is an entry in ClinVar:

ClinVar aggregate classification (germline): Benign/Likely benign. Review status: criteria provided, multiple submitters, no conflicts (2 of 4 stars). 2 submissions from 2 submitters: Benign (1); Likely benign (1). Last evaluated 2025-03-25.

Conditions:
Hereditary cancer-predisposing syndrome. Also called: Hereditary Cancer Syndrome; Hereditary neoplastic syndrome; Neoplastic Syndromes, Hereditary; Tumor predisposition. Identifiers: Orphanet 140162, MedGen C0027672, MeSH D009386, MONDO:0015356.
Peutz-Jeghers syndrome (PJS). Also called: Peutz-Jeghers polyposis; Periorificial lentiginosis syndrome; POLYPOSIS, HAMARTOMATOUS INTESTINAL; POLYPS-AND-SPOTS SYNDROME. Identifiers: Orphanet 2869, MedGen C0031269, MeSH D010580, MONDO:0008280, OMIM 175200.

Submissions (2):

Myriad Genetics, Inc.
Classification: Benign for Peutz-Jeghers syndrome. Last evaluated: 2025-03-25. Review status: criteria provided, single submitter. Criteria: Myriad Autosomal Dominant, Autosomal Recessive and X-Linked Classification Criteria (2023). Collection method: clinical testing. Allele origin: unknown.
Comment: This variant is considered benign. This variant is a silent/synonymous amino acid change and it is not expected to impact splicing.

Ambry Genetics
Classification: Likely benign for Hereditary cancer-predisposing syndrome. Last evaluated: 2024-09-22. Review status: criteria provided, single submitter. Criteria: Ambry Variant Classification Scheme 2023. Collection method: clinical testing. Allele origin: germline.

NM_000455.5(STK11):c.114G>C (p.Pro38=)

Gene: STK11 (serine/threonine kinase 11; plus strand). Cytogenetic location: 19p13.3.
Variant type: single nucleotide variant.
Coding change: c.114G>C on transcript NM_000455.5 (MANE Select); coding-DNA position 114, G replaced by C.
Protein change: p.Pro38=; no amino-acid change (proline 38 retained).
Molecular consequence: synonymous variant. On other transcripts: non-coding transcript variant (1).
Genome position (GRCh38, 1-based): chr19:1,207,027, G>C. VCF-style: chr19-1207027-G-C. GRCh37 (hg19) VCF-style: chr19-1207026-G-C.
Other names: c.114G>C, p.Pro38= (NM_001407255.1).
Identifiers: ClinVar variation 3450581 (VCV003450581.2).